The following is an entry in ClinVar:

NM_001005242.3(PKP2):c.1675-2A>G

Gene: PKP2 (plakophilin 2; minus strand). Cytogenetic location: 12p11.21.
Variant type: single nucleotide variant.
Coding change: c.1675-2A>G on transcript NM_001005242.3 (MANE Select); the canonical splice acceptor site of the intron before coding-DNA position 1675, A replaced by G.
Molecular consequence: splice acceptor variant. On other transcripts: intron variant (1).
Genome position (GRCh38, 1-based): chr12:32,822,633, T>C on the plus strand (A>G on the coding strand, the complement: PKP2 is on the minus strand). VCF-style: chr12-32822633-T-C. GRCh37 (hg19) VCF-style: chr12-32975567-T-C.
Other names: c.1675-1104A>G (NM_001407156.1); c.1675-2A>G (NM_001407155.1, NM_001407161.1); c.1807-2A>G (NM_004572.4, NM_001407157.1); c.1348-2A>G (NM_001407160.1, NM_001407159.1, NM_001407158.1 and 1 more transcripts).
Identifiers: ClinVar variation 1522601 (VCV001522601.8), dbSNP rs2137778300, ClinGen allele CA384363713.

ClinVar aggregate classification (germline): Likely pathogenic (1 of 4 stars; one submission).

Conditions:
Arrhythmogenic right ventricular dysplasia 9 (ARVD9). Also called: ARRHYTHMOGENIC RIGHT VENTRICULAR DYSPLASIA, FAMILIAL, 9; Arrhythmogenic Right Ventricular Dysplasia/Cardiomyopathy 9. Identifiers: MedGen C1836906, MONDO:0012180, OMIM 609040.

Submission:

Labcorp Genetics (formerly Invitae), Labcorp
Classification: Likely pathogenic for Arrhythmogenic right ventricular dysplasia 9. Last evaluated: 2022-11-04. Review status: criteria provided, single submitter. Criteria: Invitae Variant Classification Sherloc (09022015). Collection method: clinical testing. Allele origin: germline.
Comment: This variant is not present in population databases (gnomAD no frequency). This sequence change affects an acceptor splice site in intron 8 of the PKP2 gene. It is expected to disrupt RNA splicing. Variants that disrupt the donor or acceptor splice site typically lead to a loss of protein function (PMID: 16199547), and loss-of-function variants in PKP2 are known to be pathogenic (PMID: 15489853, 23911551). This variant has not been reported in the literature in individuals affected with PKP2-related conditions. ClinVar contains an entry for this variant (Variation ID: 1522601). Algorithms developed to predict the effect of sequence changes on RNA splicing suggest that this variant may disrupt the consensus splice site. In summary, the currently available evidence indicates that the variant is pathogenic, but additional data are needed to prove that conclusively. Therefore, this variant has been classified as Likely Pathogenic.

Literature cited by the submitters: PubMed 16199547; PubMed 15489853; PubMed 23911551.